The following is an entry in ClinVar:

NM_000038.6(APC):c.3567A>G (p.Ser1189=)

Gene: APC (APC regulator of Wnt signaling pathway; plus strand). Cytogenetic location: 5q22.2.
Variant type: single nucleotide variant.
Coding change: c.3567A>G on transcript NM_000038.6 (MANE Select); coding-DNA position 3567, A replaced by G.
Protein change: p.Ser1189=; no amino-acid change (serine 1189 retained).
Molecular consequence: synonymous variant.
Genome position (GRCh38, 1-based): chr5:112,839,161, A>G. VCF-style: chr5-112839161-A-G. GRCh37 (hg19) VCF-style: chr5-112174858-A-G.
Other names: c.3567A>G, p.Ser1189= (NM_001127510.3, NM_001354895.2); c.3513A>G, p.Ser1171= (NM_001127511.3); c.3621A>G, p.Ser1207= (NM_001354896.2); c.3597A>G, p.Ser1199= (NM_001354897.2); c.3492A>G, p.Ser1164= (NM_001354898.2); c.3483A>G, p.Ser1161= (NM_001354899.2); c.3444A>G, p.Ser1148= (NM_001354900.2); c.3390A>G, p.Ser1130= (NM_001354901.2); and 5 more.
Identifiers: ClinVar variation 387698 (VCV000387698.20), dbSNP rs774935084, ClinGen allele CA035746.
Genomic context (GRCh38, chr5:112,839,161, plus strand): 5'-GAAACGTCATGTGGATCAGCCTATTGATTATAGTTTAAAATATGCCACAGATATTCCTTC[A>G]TCACAGAAACAGTCATTTTCATTCTCAAAGAGTTCATCTGGACAAAGCAGTAAAACCGAA-3'
Protein context (NP_000029.2, residues 1179-1199): YSLKYATDIP[Ser1189=]SQKQSFSFSK

ClinVar aggregate classification (germline): Benign/Likely benign. Review status: criteria provided, multiple submitters, no conflicts (2 of 4 stars). 6 submissions from 6 submitters: Benign (1); Likely benign (5). Last evaluated 2025-12-29.

Conditions:
Hereditary cancer-predisposing syndrome. Also called: Hereditary Cancer Syndrome; Hereditary neoplastic syndrome; Neoplastic Syndromes, Hereditary; Tumor predisposition. Identifiers: Orphanet 140162, MedGen C0027672, MeSH D009386, MONDO:0015356.
Classic or attenuated familial adenomatous polyposis. Identifiers: MedGen CN372698, MONDO:0021057.
Familial adenomatous polyposis 1 (FAP1). Also called: FAMILIAL ADENOMATOUS POLYPOSIS 1, ATTENUATED; POLYPOSIS, ADENOMATOUS INTESTINAL. Identifiers: MedGen C2713442, MONDO:0021056, OMIM 175100. Disease mechanism: loss of function.

Allele frequency attached by ClinVar (database versions not stated): gnomAD below 0.00001 and 0.00001; ExAC 0.00002; gnomAD exomes 0.00002.
gnomAD v4.1: 10 of 1,614,060 alleles (0.00062%); highest among the groups gnomAD compares: South Asian, 0.011%; 1 homozygote.

Submissions (6):

Labcorp Genetics (formerly Invitae), Labcorp
Classification: Likely benign for Familial adenomatous polyposis 1. Last evaluated: 2025-12-29. Review status: criteria provided, single submitter. Criteria: Invitae Variant Classification Sherloc (09022015). Collection method: clinical testing. Allele origin: germline.

Myriad Genetics, Inc.
Classification: Benign for Familial adenomatous polyposis 1. Last evaluated: 2024-03-21. Review status: criteria provided, single submitter. Criteria: Myriad Autosomal Dominant, Autosomal Recessive and X-Linked Classification Criteria (2023). Collection method: clinical testing. Allele origin: unknown.
Comment: This variant is considered benign. This variant is a silent/synonymous amino acid change and it is not expected to impact splicing.

All of Us Research Program, National Institutes of Health
Classification: Likely benign for Classic or attenuated familial adenomatous polyposis. Last evaluated: 2023-12-13. Review status: criteria provided, single submitter. Criteria: ACMG Guidelines, 2015. Collection method: clinical testing. Allele origin: germline. Inheritance: Autosomal dominant inheritance. Observed: 1 variant allele, 1 heterozygote.
Comment: This study involves interpretation of variants in research participants for the purpose of population health screening. Participant phenotype was not available at the time of variant classification. Additional details can be found in publication PMID: 35346344, PMCID: PMC8962531

Ambry Genetics
Classification: Likely benign for Hereditary cancer-predisposing syndrome. Last evaluated: 2017-07-28. Review status: criteria provided, single submitter. Criteria: Ambry Variant Classification Scheme 2023. Collection method: clinical testing. Allele origin: germline.

Color Diagnostics, LLC DBA Color Health
Classification: Likely benign for Hereditary cancer-predisposing syndrome. Last evaluated: 2017-01-17. Review status: criteria provided, single submitter. Criteria: ACMG Guidelines, 2015. Collection method: clinical testing. Allele origin: germline.

GeneDx
Classification: Likely benign. Last evaluated: 2016-07-13. Review status: criteria provided, single submitter. Criteria: GeneDx Variant Classification (06012015). Collection method: clinical testing. Allele origin: germline. Affected: yes.
Comment: This variant is considered likely benign or benign based on one or more of the following criteria: it is a conservative change, it occurs at a poorly conserved position in the protein, it is predicted to be benign by multiple in silico algorithms, and/or has population frequency not consistent with disease.